The following is an entry in ClinVar:

NM_001113378.2(FANCI):c.1321T>A (p.Leu441Met)

Gene: FANCI (FA complementation group I; plus strand). Cytogenetic location: 15q26.1.
Variant type: single nucleotide variant.
Coding change: c.1321T>A on transcript NM_001113378.2 (MANE Select); coding-DNA position 1321, T replaced by A.
Protein change: p.Leu441Met; replaces leucine 441 with methionine.
Molecular consequence: missense variant.
Genome position (GRCh38, 1-based): chr15:89,278,714, T>A. VCF-style: chr15-89278714-T-A. GRCh37 (hg19) VCF-style: chr15-89821945-T-A.
Other names: c.1042T>A, p.Leu348Met (NM_001376910.1); c.1321T>A, p.Leu441Met (NM_001376911.1, NM_018193.3); short protein forms L348M, L441M.
Identifiers: ClinVar variation 1717441 (VCV001717441.5), dbSNP rs139802132, ClinGen allele CA393743191.
Genomic context (GRCh38, chr15:89,278,714, plus strand): 5'-CCAGGAATATTTTATTTATTCTGTTCTTTTTAGATCCATGAGATGATCAGACAAGAAATT[T>A]TGGAGCAGGTCCTCAACAGGGTTGTTACCAGAGCATCTTCTCCCATCAGTCATTTCTTAG-3'
Protein context (NP_001106849.1, residues 431-451): KIHEMIRQEI[Leu441Met]EQVLNRVVTR

ClinVar aggregate classification (germline): Uncertain significance (1 of 4 stars; one submission).

Conditions:
Fanconi anemia (FA). Also called: Fanconi's anemia. Identifiers: Orphanet 84, MedGen C0015625, MeSH D005199, MONDO:0019391.

Submission:

Labcorp Genetics (formerly Invitae), Labcorp
Classification: Uncertain significance for Fanconi anemia. Last evaluated: 2025-09-08. Review status: criteria provided, single submitter. Criteria: Invitae Variant Classification Sherloc (09022015). Collection method: clinical testing. Allele origin: germline.
Comment: This sequence change replaces leucine, which is neutral and non-polar, with methionine, which is neutral and non-polar, at codon 441 of the FANCI protein (p.Leu441Met). This variant is not present in population databases (gnomAD no frequency). This variant has not been reported in the literature in individuals affected with FANCI-related conditions. ClinVar contains an entry for this variant (Variation ID: 1717441). Invitae Evidence Modeling of protein sequence and biophysical properties (such as structural, functional, and spatial information, amino acid conservation, physicochemical variation, residue mobility, and thermodynamic stability) indicates that this missense variant is expected to disrupt FANCI protein function with a positive predictive value of 80%. In summary, the available evidence is currently insufficient to determine the role of this variant in disease. Therefore, it has been classified as a Variant of Uncertain Significance.